The following is an entry in ClinVar:

NM_004706.4(ARHGEF1):c.2639C>T (p.Thr880Ile)

Gene: ARHGEF1 (Rho guanine nucleotide exchange factor 1; plus strand). Cytogenetic location: 19q13.2.
Variant type: single nucleotide variant.
Coding change: c.2639C>T on transcript NM_004706.4 (MANE Select); coding-DNA position 2639, C replaced by T.
Protein change: p.Thr880Ile; replaces threonine 880 with isoleucine.
Molecular consequence: missense variant. On other transcripts: non-coding transcript variant (2), intron variant (4).
Genome position (GRCh38, 1-based): chr19:41,906,604, C>T. VCF-style: chr19-41906604-C-T. GRCh37 (hg19) VCF-style: chr19-42410756-C-T.
Other names: c.2807C>T, p.Thr936Ile (NM_001396000.1); c.2540C>T, p.Thr847Ile (NM_198977.2); c.2684C>T, p.Thr895Ile (NM_199002.2); c.2492-99C>T (NM_001396003.1, NM_001396006.1); c.2393-99C>T (NM_001396002.1, NM_001396004.1); short protein forms T880I, T895I, T847I, T936I.
Identifiers: ClinVar variation 2106649 (VCV002106649.5), dbSNP rs995854541, ClinGen allele CA406070070.

ClinVar aggregate classification (germline): Uncertain significance. Review status: criteria provided, multiple submitters, no conflicts (2 of 4 stars). 2 submissions from 2 submitters: Uncertain significance (2). Last evaluated 2022-08-30.

gnomAD v4.1: 1 of 1,606,246 alleles (0.000062%); highest among the groups gnomAD compares: Admixed American, 0.0017%; no homozygotes.

Submissions (2):

Ambry Genetics
Classification: Uncertain significance. Last evaluated: 2022-08-30. Review status: criteria provided, single submitter. Criteria: Ambry Variant Classification Scheme 2023. Collection method: clinical testing. Allele origin: germline.

Labcorp Genetics (formerly Invitae), Labcorp
Classification: Uncertain significance. Last evaluated: 2022-03-04. Review status: criteria provided, single submitter. Criteria: Invitae Variant Classification Sherloc (09022015). Collection method: clinical testing. Allele origin: germline.
Comment: Algorithms developed to predict the effect of missense changes on protein structure and function output the following: SIFT: "Tolerated"; PolyPhen-2: "Benign"; Align-GVGD: "Class C0". The isoleucine amino acid residue is found in multiple mammalian species, which suggests that this missense change does not adversely affect protein function. In summary, the available evidence is currently insufficient to determine the role of this variant in disease. Therefore, it has been classified as a Variant of Uncertain Significance. This variant has not been reported in the literature in individuals affected with ARHGEF1-related conditions. This variant is not present in population databases (gnomAD no frequency). This sequence change replaces threonine, which is neutral and polar, with isoleucine, which is neutral and non-polar, at codon 895 of the ARHGEF1 protein (p.Thr895Ile).